The following is an entry in ClinVar:

NM_001164508.2(NEB):c.13476+16_13476+17insG

Gene: NEB (nebulin; minus strand). Cytogenetic location: 2q23.3.
Variant type: Insertion.
Coding change: c.13476+16_13476+17insG on transcript NM_001164508.2 (MANE Select); bases 16 to 17 of the intron after coding-DNA position 13476, G inserted.
Molecular consequence: intron variant.
Genome position: GRCh38 VCF-style: chr2-151601884-G-GC. GRCh37 (hg19) VCF-style: chr2-152458398-G-GC.
Other names: c.11601+7924_11601+7925insG (NM_004543.5); c.13476+16_13476+17insG (NM_001164507.2, NM_001271208.2).
Identifiers: ClinVar variation 420486 (VCV000420486.8), dbSNP rs1064794509, ClinGen allele CA16617244.

ClinVar aggregate classification (germline): Likely benign. Review status: criteria provided, multiple submitters, no conflicts (2 of 4 stars). 2 submissions from 2 submitters: Likely benign (2). Last evaluated 2026-02-04.

Conditions:
Nemaline myopathy 2 (NEM2). Also called: Nemaline myopathy 2, autosomal recessive. Identifiers: MedGen C1850569, MONDO:0009725, OMIM 256030.

Submissions (2):

Labcorp Genetics (formerly Invitae), Labcorp
Classification: Likely benign for Nemaline myopathy 2. Last evaluated: 2026-02-04. Review status: criteria provided, single submitter. Criteria: Invitae Variant Classification Sherloc (09022015). Collection method: clinical testing. Allele origin: germline.

GeneDx
Classification: Likely benign. Last evaluated: 2017-11-29. Review status: criteria provided, single submitter. Criteria: GeneDx Variant Classification (06012015). Collection method: clinical testing. Allele origin: germline. Affected: yes.
Comment: This variant is considered likely benign or benign based on one or more of the following criteria: it is a conservative change, it occurs at a poorly conserved position in the protein, it is predicted to be benign by multiple in silico algorithms, and/or has population frequency not consistent with disease.